The following is an entry in ClinVar:

NM_001283009.2(RTEL1):c.480C>G (p.Ile160Met)

Genes: RTEL1 (regulator of telomere elongation helicase 1; plus strand), RTEL1-TNFRSF6B (RTEL1-TNFRSF6B readthrough (NMD candidate); plus strand). Cytogenetic location: 20q13.33.
Variant type: single nucleotide variant.
Coding change: c.480C>G on transcript NM_001283009.2 (MANE Select); coding-DNA position 480, C replaced by G.
Protein change: p.Ile160Met; replaces isoleucine 160 with methionine.
Molecular consequence: missense variant. On other transcripts: non-coding transcript variant (1), 5 prime UTR variant (1).
Genome position (GRCh38, 1-based): chr20:63,662,831, C>G. VCF-style: chr20-63662831-C-G. GRCh37 (hg19) VCF-style: chr20-62294184-C-G.
Other names: c.-190C>G (NM_001283010.1); c.480C>G, p.Ile160Met (NM_016434.4); c.552C>G, p.Ile184Met (NM_032957.5); short protein forms I160M, I184M.
Identifiers: ClinVar variation 1907747 (VCV001907747.5), dbSNP rs2516999517, ClinGen allele CA409669851.

ClinVar aggregate classification (germline): Uncertain significance (1 of 4 stars; one submission).

Conditions:
Dyskeratosis congenita, autosomal recessive 5 (DKCB5). Identifiers: MedGen C3554656, MONDO:0014076, OMIM 615190.
Pulmonary fibrosis and/or bone marrow failure, Telomere-related, 3. Also called: PULMONARY FIBROSIS AND/OR BONE MARROW FAILURE SYNDROME, TELOMERE-RELATED, 3. Identifiers: Orphanet 2032, MedGen C4225346, MONDO:0014613, OMIM 616373.

Submission:

Labcorp Genetics (formerly Invitae), Labcorp
Classification: Uncertain significance for Dyskeratosis congenita, autosomal recessive 5; Pulmonary fibrosis and/or bone marrow failure, Telomere-related, 3. Last evaluated: 2022-03-18. Review status: criteria provided, single submitter. Criteria: Invitae Variant Classification Sherloc (09022015). Collection method: clinical testing. Allele origin: germline.
Comment: This variant has not been reported in the literature in individuals affected with RTEL1-related conditions. This sequence change replaces isoleucine, which is neutral and non-polar, with methionine, which is neutral and non-polar, at codon 160 of the RTEL1 protein (p.Ile160Met). This variant is not present in population databases (gnomAD no frequency). Algorithms developed to predict the effect of missense changes on protein structure and function are either unavailable or do not agree on the potential impact of this missense change (SIFT: "Tolerated"; PolyPhen-2: "Possibly Damaging"; Align-GVGD: "Class C0"). In summary, the available evidence is currently insufficient to determine the role of this variant in disease. Therefore, it has been classified as a Variant of Uncertain Significance.